The following is an entry in ClinVar:

ClinVar aggregate classification (germline): Conflicting classifications of pathogenicity. Review status: criteria provided, conflicting classifications (1 of 4 stars). 6 submissions from 6 submitters: Uncertain significance (5); Likely benign (1). Last evaluated 2026-01-07.

Conditions:
Cardiovascular phenotype. Identifiers: MedGen CN230736.
Hypertrophic cardiomyopathy. Also called: HYPERTROPHIC MYOCARDIOPATHY. Identifiers: Orphanet 217569, MedGen C0007194, MeSH D002312, MONDO:0005045, HP:0001639.
Hypertrophic cardiomyopathy 17. Identifiers: MedGen C3151264, MONDO:0013474, OMIM 613873.
Cardiomyopathy, dilated, 2E. Identifiers: MedGen C5561970, MONDO:0030366, OMIM 619492.

Allele frequency attached by ClinVar (database versions not stated): gnomAD exomes below 0.00001; gnomAD 0.00001; TOPMed 0.00001.

Submissions (6):

Labcorp Genetics (formerly Invitae), Labcorp
Classification: Uncertain significance for Hypertrophic cardiomyopathy. Last evaluated: 2026-01-07. Review status: criteria provided, single submitter. Criteria: Invitae Variant Classification Sherloc (09022015). Collection method: clinical testing. Allele origin: germline.
Comment: This sequence change replaces proline, which is neutral and non-polar, with leucine, which is neutral and non-polar, at codon 465 of the JPH2 protein (p.Pro465Leu). This variant is present in population databases (no rsID available, gnomAD 0.007%). This variant has not been reported in the literature in individuals affected with JPH2-related conditions. ClinVar contains an entry for this variant (Variation ID: 454469). An algorithm developed to predict the effect of missense changes on protein structure and function (PolyPhen-2) suggests that this variant is likely to be tolerated. In summary, the available evidence is currently insufficient to determine the role of this variant in disease. Therefore, it has been classified as a Variant of Uncertain Significance.

Ambry Genetics
Classification: Likely benign for Cardiovascular phenotype. Last evaluated: 2025-07-18. Review status: criteria provided, single submitter. Criteria: Ambry Variant Classification Scheme 2023. Collection method: clinical testing. Allele origin: germline.

Mayo Clinic Laboratories, Mayo Clinic
Classification: Uncertain significance. Last evaluated: 2024-03-21. Review status: criteria provided, single submitter. Criteria: ACMG Guidelines, 2015. Collection method: clinical testing. Allele origin: germline. Observed: 1 variant allele.
Comment: BP4, PM2

Women's Health and Genetics/Laboratory Corporation of America, LabCorp
Classification: Uncertain significance. Last evaluated: 2023-12-11. Review status: criteria provided, single submitter. Criteria: LabCorp Variant Classification Summary - May 2015. Collection method: clinical testing. Allele origin: germline.

Fulgent Genetics
Classification: Uncertain significance for Hypertrophic cardiomyopathy 17; Cardiomyopathy, dilated, 2E. Last evaluated: 2021-09-07. Review status: criteria provided, single submitter. Criteria: ACMG Guidelines, 2015. Collection method: clinical testing. Allele origin: unknown.

Breakthrough Genomics
Classification: Uncertain significance. Review status: criteria provided, single submitter. Criteria: ACMG Guidelines, 2015. Collection method: not provided. Allele origin: germline. Inheritance: Autosomal dominant inheritance. Affected: yes.

NM_020433.5(JPH2):c.1394C>T (p.Pro465Leu)

Gene: JPH2 (junctophilin 2; minus strand). Cytogenetic location: 20q13.12.
Variant type: single nucleotide variant.
Coding change: c.1394C>T on transcript NM_020433.5 (MANE Select); coding-DNA position 1394, C replaced by T.
Protein change: p.Pro465Leu; replaces proline 465 with leucine.
Molecular consequence: missense variant.
Genome position (GRCh38, 1-based): chr20:44,116,281, G>A on the plus strand (C>T on the coding strand, the complement: JPH2 is on the minus strand). VCF-style: chr20-44116281-G-A. GRCh37 (hg19) VCF-style: chr20-42744921-G-A.
Other names: p.Pro465Leu; short protein forms P465L.
Identifiers: ClinVar variation 454469 (VCV000454469.18), dbSNP rs908189174, ClinGen allele CA409100717.